The following is an entry in ClinVar:

ClinVar aggregate classification (germline): Uncertain significance. Review status: criteria provided, multiple submitters, no conflicts (2 of 4 stars). 3 submissions from 3 submitters: Uncertain significance (3). Last evaluated 2025-04-07.

Conditions:
Hereditary cancer-predisposing syndrome. Also called: Tumor predisposition; Neoplastic Syndromes, Hereditary; Hereditary Cancer Syndrome; Hereditary neoplastic syndrome. Identifiers: Orphanet 140162, MedGen C0027672, MeSH D009386, MONDO:0015356.
Ataxia-telangiectasia syndrome (AT). Also called: ATAXIA-TELANGIECTASIA, COMPLEMENTATION GROUP A; ATAXIA-TELANGIECTASIA, FRESNO VARIANT; LOUIS-BAR SYNDROME; Ataxia telangiectasia (A-T); Cerebello-oculocutaneous telangiectasia; Immunodeficiency with ataxia telangiectasia. Identifiers: Orphanet 100, MedGen C0004135, MONDO:0008840, OMIM 208900.

Allele frequency attached by ClinVar (database versions not stated): gnomAD exomes below 0.00001.
gnomAD v4.1: 2 of 1,613,530 alleles (0.00012%); highest among the groups gnomAD compares: South Asian, 0.0022%; no homozygotes.

Submissions (3):

Labcorp Genetics (formerly Invitae), Labcorp
Classification: Uncertain significance for Ataxia-telangiectasia syndrome. Last evaluated: 2025-04-07. Review status: criteria provided, single submitter. Criteria: Invitae Variant Classification Sherloc (09022015). Collection method: clinical testing. Allele origin: germline.
Comment: This sequence change replaces valine, which is neutral and non-polar, with isoleucine, which is neutral and non-polar, at codon 1723 of the ATM protein (p.Val1723Ile). This variant is not present in population databases (gnomAD no frequency). This variant has not been reported in the literature in individuals affected with ATM-related conditions. ClinVar contains an entry for this variant (Variation ID: 628863). Invitae Evidence Modeling of protein sequence and biophysical properties (such as structural, functional, and spatial information, amino acid conservation, physicochemical variation, residue mobility, and thermodynamic stability) indicates that this missense variant is not expected to disrupt ATM protein function with a negative predictive value of 95%. In summary, the available evidence is currently insufficient to determine the role of this variant in disease. Therefore, it has been classified as a Variant of Uncertain Significance.

Ambry Genetics
Classification: Uncertain significance for Hereditary cancer-predisposing syndrome. Last evaluated: 2024-05-15. Review status: criteria provided, single submitter. Criteria: Ambry Variant Classification Scheme 2023. Collection method: clinical testing. Allele origin: germline.
Comment: The p.V1723I variant (also known as c.5167G>A), located in coding exon 33 of the ATM gene, results from a G to A substitution at nucleotide position 5167. The valine at codon 1723 is replaced by isoleucine, an amino acid with highly similar properties. This amino acid position is conserved. In addition, this alteration is predicted to be tolerated by in silico analysis. Based on the available evidence, the clinical significance of this variant remains unclear.

Color Diagnostics, LLC DBA Color Health
Classification: Uncertain significance for Hereditary cancer-predisposing syndrome. Last evaluated: 2024-03-06. Review status: criteria provided, single submitter. Criteria: ACMG Guidelines, 2015. Collection method: clinical testing. Allele origin: germline.
Comment: This missense variant replaces valine with isoleucine at codon 1723 of the ATM protein. Computational prediction suggests that this variant may not impact protein structure and function (internally defined REVEL score threshold <= 0.5, PMID: 27666373). To our knowledge, functional studies have not been reported for this variant. This variant has not been reported in individuals affected with hereditary cancer in the literature. This variant has not been identified in the general population by the Genome Aggregation Database (gnomAD). The available evidence is insufficient to determine the role of this variant in disease conclusively. Therefore, this variant is classified as a Variant of Uncertain Significance.

NM_000051.4(ATM):c.5167G>A (p.Val1723Ile)

Gene: ATM (ATM serine/threonine kinase; plus strand). Cytogenetic location: 11q22.3.
Variant type: single nucleotide variant.
Coding change: c.5167G>A on transcript NM_000051.4 (MANE Select); coding-DNA position 5167, G replaced by A.
Protein change: p.Val1723Ile; replaces valine 1723 with isoleucine.
Molecular consequence: missense variant.
Genome position (GRCh38, 1-based): chr11:108,299,875, G>A. VCF-style: chr11-108299875-G-A. GRCh37 (hg19) VCF-style: chr11-108170602-G-A.
Other names: c.5167G>A, p.Val1723Ile (NM_001351834.2); short protein forms V1723I.
Identifiers: ClinVar variation 628863 (VCV000628863.10), dbSNP rs1565474312, ClinGen allele CA382541164.
Genomic context (GRCh38, chr11:108,299,875, plus strand): 5'-TTTGAAGATAAAGAACTTCAGTGGACCTTCATAATGCTGACCTACCTGAATAACACACTG[G>A]TAGAAGATTGGTGAGTATTTATTGATACCTTATATGTAATCTCAATATGACATTCATGGA-3'
Protein context (NP_000042.3, residues 1713-1733): IMLTYLNNTL[Val1723Ile]EDCVKVRSAA